The following is an entry in ClinVar:

ClinVar aggregate classification (germline): Uncertain significance (1 of 4 stars; one submission).

Conditions:
Primary ciliary dyskinesia 30. Also called: CILIARY DYSKINESIA, PRIMARY, 30, WITH OR WITHOUT SITUS INVERSUS. Identifiers: Orphanet 244, MedGen C4015016, MONDO:0014465, OMIM 616037.

Submission:

Labcorp Genetics (formerly Invitae), Labcorp
Classification: Uncertain significance for Primary ciliary dyskinesia 30. Last evaluated: 2021-10-12. Review status: criteria provided, single submitter. Criteria: Invitae Variant Classification Sherloc (09022015). Collection method: clinical testing. Allele origin: germline.
Comment: This sequence change replaces lysine with methionine at codon 363 of the CCDC151 protein (p.Lys363Met). The lysine residue is highly conserved and there is a moderate physicochemical difference between lysine and methionine. This variant is not present in population databases (ExAC no frequency). This variant has not been reported in the literature in individuals affected with CCDC151-related conditions. Algorithms developed to predict the effect of missense changes on protein structure and function are either unavailable or do not agree on the potential impact of this missense change (SIFT: "Tolerated"; PolyPhen-2: "Probably Damaging"; Align-GVGD: "Class C0"). In summary, the available evidence is currently insufficient to determine the role of this variant in disease. Therefore, it has been classified as a Variant of Uncertain Significance.

NM_145045.5(ODAD3):c.1088A>T (p.Lys363Met)

Gene: ODAD3 (outer dynein arm docking complex subunit 3; minus strand). Cytogenetic location: 19p13.2.
Variant type: single nucleotide variant.
Coding change: c.1088A>T on transcript NM_145045.5 (MANE Select); coding-DNA position 1088, A replaced by T.
Protein change: p.Lys363Met; replaces lysine 363 with methionine.
Molecular consequence: missense variant.
Genome position (GRCh38, 1-based): chr19:11,423,905, T>A on the plus strand (A>T on the coding strand, the complement: ODAD3 is on the minus strand). VCF-style: chr19-11423905-T-A. GRCh37 (hg19) VCF-style: chr19-11534574-T-A.
Other names: c.926A>T, p.Lys309Met (NM_001302453.1); c.908A>T, p.Lys303Met (NM_001302454.2); short protein forms K303M, K309M, K363M.
Identifiers: ClinVar variation 1682770 (VCV001682770.6), dbSNP rs1969200826, ClinGen allele CA404121491.
Genomic context (GRCh38, chr19:11,423,905, plus strand): 5'-GCGCGGCGGAGAGGGCTGCGGGCAGAACTCACGTGCGTCTCGTCAGTGCCAGTGGCGTCC[T>A]TGACCTTGCCAAAGATCACCTCCATCTGGTACATGCTCCAGCGCTGCCGCAGCTCCTCCT-3'
Protein context (NP_659482.3, residues 353-373): YQMEVIFGKV[Lys363Met]DATGTDETHS